The following is an entry in ClinVar:

NM_001349253.2(SCN11A):c.1101+6_1101+9del

Gene: SCN11A (sodium voltage-gated channel alpha subunit 11; minus strand). Cytogenetic location: 3p22.2.
Variant type: Deletion.
Coding change: c.1101+6_1101+9del on transcript NM_001349253.2 (MANE Select); bases 6 to 9 of the intron after coding-DNA position 1101, 4 bases deleted (CTAT; older notation c.1101+6_1101+9delCTAT).
Molecular consequence: intron variant.
Genome position (GRCh38, 1-based): chr3:38,910,057-38,910,060, ATAG deleted on the plus strand (CTAT on the coding strand, the reverse complement: SCN11A is on the minus strand); deleting any 4 consecutive bases within chr3:38,910,057-38,910,063 gives the same sequence; the c. name uses the placement nearest the transcript's 3' end. VCF-style (leftmost placement, unchanged base first): chr3-38910056-AATAG-A. GRCh37 (hg19) VCF-style: chr3-38951547-AATAG-A.
Other names: c.1101+6_1101+9del (NM_014139.3).
Identifiers: ClinVar variation 4792034 (VCV004792034.1).

ClinVar aggregate classification (germline): Uncertain significance (1 of 4 stars; one submission).

Conditions:
Familial episodic pain syndrome with predominantly lower limb involvement. Also called: Episodic pain syndrome, familial, 3. Identifiers: Orphanet 391384, Orphanet 391392, MedGen C3809899, MONDO:0014247, OMIM 615552.
Hereditary sensory and autonomic neuropathy type 7. Also called: HSAN VII; Neuropathy, hereditary sensory and autonomic, type VII. Identifiers: Orphanet 391397, MedGen C3809882, MONDO:0014244, OMIM 615548.

Submission:

Labcorp Genetics (formerly Invitae), Labcorp
Classification: Uncertain significance for Familial episodic pain syndrome with predominantly lower limb involvement; Hereditary sensory and autonomic neuropathy type 7. Last evaluated: 2025-04-23. Review status: criteria provided, single submitter. Criteria: Invitae Variant Classification Sherloc (09022015). Collection method: clinical testing. Allele origin: germline.
Comment: This sequence change falls in intron 8 of the SCN11A gene. It does not directly change the encoded amino acid sequence of the SCN11A protein. It affects a nucleotide within the consensus splice site. This variant is not present in population databases (gnomAD no frequency). This variant has not been reported in the literature in individuals affected with SCN11A-related conditions. Variants that disrupt the consensus splice site are a relatively common cause of aberrant splicing (PMID: 17576681, 9536098). Algorithms developed to predict the effect of sequence changes on RNA splicing suggest that this variant is not likely to affect RNA splicing. In summary, the available evidence is currently insufficient to determine the role of this variant in disease. Therefore, it has been classified as a Variant of Uncertain Significance.

Literature cited by the submitters: PubMed 17576681; PubMed 9536098.